The following is an entry in ClinVar:

ClinVar aggregate classification (germline): Pathogenic (1 of 4 stars; one submission).

Conditions:
Hereditary cancer-predisposing syndrome. Also called: Hereditary neoplastic syndrome; Neoplastic Syndromes, Hereditary; Tumor predisposition; Hereditary Cancer Syndrome. Identifiers: Orphanet 140162, MedGen C0027672, MeSH D009386, MONDO:0015356.

Submission:

Ambry Genetics
Classification: Pathogenic for Hereditary cancer-predisposing syndrome. Last evaluated: 2025-08-05. Review status: criteria provided, single submitter. Criteria: Ambry Variant Classification Scheme 2023. Collection method: clinical testing. Allele origin: germline.
Comment: The p.C1098* variant (also known as c.3294T>A), located in coding exon 15 of the APC gene, results from a T to A substitution at nucleotide position 3294. This changes the amino acid from a cysteine to a stop codon within coding exon 15. This alteration occurs at the 3' terminus of theAPC gene, is not expected to trigger nonsense-mediated mRNA decay, and impacts the last 61% of the protein. However, premature stop codons are typically deleterious in nature and a significant portion of the protein is affected (Ambry internal data). This variant was reported in individual(s) with features consistent with familial adenomatous polyposis (FAP) (Ambry internal data). This variant is considered to be rare based on population cohorts in the Genome Aggregation Database (gnomAD). Based on the supporting evidence, this variant is interpreted as a disease-causing mutation.

NM_000038.6(APC):c.3294T>A (p.Cys1098Ter)

Gene: APC (APC regulator of Wnt signaling pathway; plus strand). Cytogenetic location: 5q22.2.
Variant type: single nucleotide variant.
Coding change: c.3294T>A on transcript NM_000038.6 (MANE Select); coding-DNA position 3294, T replaced by A.
Protein change: p.Cys1098Ter; replaces cysteine 1098 with a stop codon.
Molecular consequence: nonsense. On other transcripts: non-coding transcript variant (2).
Genome position (GRCh38, 1-based): chr5:112,838,888, T>A. VCF-style: chr5-112838888-T-A. GRCh37 (hg19) VCF-style: chr5-112174585-T-A.
Other names: c.3294T>A, p.Cys1098Ter (NM_001127510.3, NM_001354895.2, NM_001407450.1); c.3240T>A, p.Cys1080Ter (NM_001127511.3); c.3348T>A, p.Cys1116Ter (NM_001354896.2, NM_001407447.1, NM_001407448.1 and 1 more transcripts); c.3324T>A, p.Cys1108Ter (NM_001354897.2); c.3219T>A, p.Cys1073Ter (NM_001354898.2); c.3210T>A, p.Cys1070Ter (NM_001354899.2); c.3171T>A, p.Cys1057Ter (NM_001354900.2); c.3117T>A, p.Cys1039Ter (NM_001354901.2, NM_001407453.1); and 11 more; short protein forms C1015*, C1057*, C1108*, C714*, C1080*, C1116*, C815*, C1007*.
Identifiers: ClinVar variation 4121142 (VCV004121142.1).